The following is an entry in ClinVar:

NM_177972.3(TUB):c.373A>G (p.Lys125Glu)

Genes: TUB (TUB bipartite transcription factor; plus strand), RIC3 (RIC3 acetylcholine receptor chaperone; minus strand). Cytogenetic location: 11p15.4.
Variant type: single nucleotide variant.
Coding change: c.373A>G on transcript NM_177972.3 (MANE Select); coding-DNA position 373, A replaced by G.
Protein change: p.Lys125Glu; replaces lysine 125 with glutamic acid.
Molecular consequence: missense variant.
Genome position (GRCh38, 1-based): chr11:8,094,165, A>G. VCF-style: chr11-8094165-A-G. GRCh37 (hg19) VCF-style: chr11-8115712-A-G.
Other names: c.538A>G, p.Lys180Glu (NM_003320.5); short protein forms K180E, K125E.
Identifiers: ClinVar variation 939312 (VCV000939312.9), dbSNP rs759921094, ClinGen allele CA5871056.
Genomic context (GRCh38, chr11:8,094,165, plus strand): 5'-GCTTCAGCCAAGAGAACCAAGGCGGCAGCTACAGCAGGGGGCCAGGGTGGCGCCGCTAGG[A>G]AGGAGAAGAAGGGAAAGCACAAAGGTCAGCTCACATTCTCTACAGCCCTCCCCAGCAGGC-3'
Protein context (NP_813977.1, residues 115-135): TAGGQGGAAR[Lys125Glu]EKKGKHKGTS

ClinVar aggregate classification (germline): Uncertain significance. Review status: criteria provided, multiple submitters, no conflicts (2 of 4 stars). 2 submissions from 2 submitters: Uncertain significance (2). Last evaluated 2026-03-09.

Conditions:
TUB-related disorder. Also called: TUB-related condition.

Allele frequency attached by ClinVar (database versions not stated): gnomAD exomes 0.00002 and 0.00004; ExAC 0.00003; TOPMed 0.00007.
gnomAD v4.1: 11 of 1,613,610 alleles (0.00068%); highest among the groups gnomAD compares: Admixed American, 0.017%; no homozygotes.

Submissions (2):

PreventionGenetics, part of Exact Sciences
Classification: Uncertain significance for TUB-related condition. Last evaluated: 2026-03-09. Review status: criteria provided, single submitter. Criteria: ACMG Guidelines, 2015. Collection method: clinical testing. Allele origin: germline.
Comment: The TUB c.538A>G variant is predicted to result in the amino acid substitution p.Lys180Glu. To our knowledge, this variant has not been reported in the literature. This variant is reported in 0.032% of alleles in individuals of Latino descent in gnomAD. At this time, the clinical significance of this variant is uncertain due to the absence of conclusive functional and genetic evidence.

Labcorp Genetics (formerly Invitae), Labcorp
Classification: Uncertain significance. Last evaluated: 2024-02-17. Review status: criteria provided, single submitter. Criteria: Invitae Variant Classification Sherloc (09022015). Collection method: clinical testing. Allele origin: germline.
Comment: This sequence change replaces lysine, which is basic and polar, with glutamic acid, which is acidic and polar, at codon 180 of the TUB protein (p.Lys180Glu). This variant is present in population databases (rs759921094, gnomAD 0.03%). This variant has not been reported in the literature in individuals affected with TUB-related conditions. ClinVar contains an entry for this variant (Variation ID: 939312). An algorithm developed to predict the effect of missense changes on protein structure and function (PolyPhen-2) suggests that this variant¬†is likely to be tolerated. In summary, the available evidence is currently insufficient to determine the role of this variant in disease. Therefore, it has been classified as a Variant of Uncertain Significance.